The following is an entry in ClinVar:

ClinVar aggregate classification (germline): Uncertain significance. Review status: criteria provided, multiple submitters, no conflicts (2 of 4 stars). 4 submissions from 4 submitters: Uncertain significance (4). Last evaluated 2026-09-02.

Conditions:
Neonatal-onset encephalopathy with rigidity and seizures. Also called: Lethal neonatal spasticity-epileptic encephalopathy syndrome. Identifiers: Orphanet 435845, MedGen C3281029, MONDO:0013784, OMIM 614498.
Neurodevelopmental disorder with cerebellar atrophy and with or without seizures. Identifiers: MedGen C4748032, MONDO:0020841, OMIM 618056.
Inborn genetic diseases. Identifiers: MedGen C0950123, MeSH D030342.

Allele frequency attached by ClinVar (database versions not stated): ExAC 0.00002; ESP Exome Variant Server 0.00015; gnomAD exomes 0.00001; TOPMed 0.00003; gnomAD 0.00005 and 0.00004.
gnomAD v4.1: 118 of 1,597,858 alleles (0.0074%); highest among the groups gnomAD compares: Non-Finnish European, 0.0093%; no homozygotes.

Submissions (4):

GeneDx
Classification: Uncertain significance. Last evaluated: 2026-09-02. Review status: criteria provided, single submitter. Criteria: GeneDx Variant Classification Process June 2021. Collection method: clinical testing. Allele origin: germline.
Comment: Not observed at significant frequency in large population cohorts (gnomAD); In silico analysis suggests that this missense variant does not alter protein structure/function; Has not been previously published as pathogenic or benign to our knowledge

Ambry Genetics
Classification: Uncertain significance for Inborn genetic diseases. Last evaluated: 2024-08-20. Review status: criteria provided, single submitter. Criteria: Ambry Variant Classification Scheme 2023. Collection method: clinical testing. Allele origin: germline.

Labcorp Genetics (formerly Invitae), Labcorp
Classification: Uncertain significance for Neonatal-onset encephalopathy with rigidity and seizures. Last evaluated: 2022-09-19. Review status: criteria provided, single submitter. Criteria: Invitae Variant Classification Sherloc (09022015). Collection method: clinical testing. Allele origin: germline.
Comment: This sequence change replaces leucine, which is neutral and non-polar, with valine, which is neutral and non-polar, at codon 433 of the BRAT1 protein (p.Leu433Val). This variant is present in population databases (rs147978414, gnomAD 0.004%). This variant has not been reported in the literature in individuals affected with BRAT1-related conditions. ClinVar contains an entry for this variant (Variation ID: 576068). Advanced modeling of protein sequence and biophysical properties (such as structural, functional, and spatial information, amino acid conservation, physicochemical variation, residue mobility, and thermodynamic stability) performed at Invitae indicates that this missense variant is expected to disrupt BRAT1 protein function. In summary, the available evidence is currently insufficient to determine the role of this variant in disease. Therefore, it has been classified as a Variant of Uncertain Significance.

Fulgent Genetics
Classification: Uncertain significance for Neonatal-onset encephalopathy with rigidity and seizures; Neurodevelopmental disorder with cerebellar atrophy and with or without seizures. Last evaluated: 2021-07-06. Review status: criteria provided, single submitter. Criteria: ACMG Guidelines, 2015. Collection method: clinical testing. Allele origin: unknown.

NM_152743.4(BRAT1):c.1297C>G (p.Leu433Val)

Gene: BRAT1 (BRCA1 associated ATM activator 1; minus strand). Cytogenetic location: 7p22.3.
Variant type: single nucleotide variant.
Coding change: c.1297C>G on transcript NM_152743.4 (MANE Select); coding-DNA position 1297, C replaced by G.
Protein change: p.Leu433Val; replaces leucine 433 with valine.
Molecular consequence: missense variant. On other transcripts: non-coding transcript variant (1).
Genome position (GRCh38, 1-based): chr7:2,541,322, G>C on the plus strand (C>G on the coding strand, the complement: BRAT1 is on the minus strand). VCF-style: chr7-2541322-G-C. GRCh37 (hg19) VCF-style: chr7-2580956-G-C.
Other names: c.1297C>G, p.Leu433Val (NM_001350626.2); c.772C>G, p.Leu258Val (NM_001350627.2); short protein forms L433V, L258V.
Identifiers: ClinVar variation 576068 (VCV000576068.10), dbSNP rs147978414, ClinGen allele CA4127846.